The following is an entry in ClinVar:

NM_181458.4(PAX3):c.1231G>A (p.Ala411Thr)

Gene: PAX3 (paired box 3; minus strand). Cytogenetic location: 2q36.1.
Variant type: single nucleotide variant.
Coding change: c.1231G>A on transcript NM_181458.4 (MANE Select); coding-DNA position 1231, G replaced by A.
Protein change: p.Ala411Thr; replaces alanine 411 with threonine.
Molecular consequence: missense variant. On other transcripts: intron variant (2).
Genome position (GRCh38, 1-based): chr2:222,202,133, C>T on the plus strand (G>A on the coding strand, the complement: PAX3 is on the minus strand). VCF-style: chr2-222202133-C-T. GRCh37 (hg19) VCF-style: chr2-223066852-C-T.
Other names: c.1228G>A, p.Ala410Thr (NM_001127366.3); c.1231G>A, p.Ala411Thr (NM_181457.4, NM_181459.4); c.1174-691G>A (NM_181460.4, NM_181461.4); c.1231G>A (NM_181457.3); short protein forms A410T, A411T.
Identifiers: ClinVar variation 2184751 (VCV002184751.7), dbSNP rs549206921, ClinGen allele CA2135461.

ClinVar aggregate classification (germline): Uncertain significance. Review status: criteria provided, multiple submitters, no conflicts (2 of 4 stars). 3 submissions from 3 submitters: Uncertain significance (3). Last evaluated 2025-05-27.

Conditions:
Inborn genetic diseases. Identifiers: MedGen C0950123, MeSH D030342.
PAX3-related disorder. Also called: PAX3-related condition.

Allele frequency attached by ClinVar (database versions not stated): ExAC 0.00003; gnomAD 0.00005; TOPMed 0.00005.
gnomAD v4.1: 106 of 1,612,388 alleles (0.0066%); highest among the groups gnomAD compares: Non-Finnish European, 0.0078%; no homozygotes.

Submissions (3):

PreventionGenetics, part of Exact Sciences
Classification: Uncertain significance for PAX3-related condition. Last evaluated: 2025-05-27. Review status: criteria provided, single submitter. Criteria: ACMG Guidelines, 2015. Collection method: clinical testing. Allele origin: germline.
Comment: The PAX3 c.1231G>A variant is predicted to result in the amino acid substitution p.Ala411Thr. To our knowledge, this variant has not been reported in the literature. This variant is reported in 0.0063% of alleles in individuals of European (Non-Finnish) descent in gnomAD. At this time, the clinical significance of this variant is uncertain due to the absence of conclusive functional and genetic evidence.

Ambry Genetics
Classification: Uncertain significance for Inborn genetic diseases. Last evaluated: 2025-04-11. Review status: criteria provided, single submitter. Criteria: Ambry Variant Classification Scheme 2023. Collection method: clinical testing. Allele origin: germline.

Labcorp Genetics (formerly Invitae), Labcorp
Classification: Uncertain significance. Last evaluated: 2022-08-16. Review status: criteria provided, single submitter. Criteria: Invitae Variant Classification Sherloc (09022015). Collection method: clinical testing. Allele origin: germline.
Comment: In summary, the available evidence is currently insufficient to determine the role of this variant in disease. Therefore, it has been classified as a Variant of Uncertain Significance. Algorithms developed to predict the effect of missense changes on protein structure and function are either unavailable or do not agree on the potential impact of this missense change (SIFT: "Tolerated"; PolyPhen-2: "Possibly Damaging"; Align-GVGD: "Class C0"). This variant has not been reported in the literature in individuals affected with PAX3-related conditions. The frequency data for this variant in the population databases is considered unreliable, as metrics indicate poor data quality at this position in the gnomAD database. This sequence change replaces alanine, which is neutral and non-polar, with threonine, which is neutral and polar, at codon 411 of the PAX3 protein (p.Ala411Thr).